The following is an entry in ClinVar:

ClinVar aggregate classification (germline): Uncertain significance (1 of 4 stars; one submission).

Submission:

GeneDx
Classification: Uncertain significance. Last evaluated: 2024-03-11. Review status: criteria provided, single submitter. Criteria: GeneDx Variant Classification Process June 2021. Collection method: clinical testing. Allele origin: germline. Affected: yes.
Comment: Not observed at significant frequency in large population cohorts (gnomAD); In silico analysis supports that this missense variant does not alter protein structure/function; Has not been previously published as pathogenic or benign to our knowledge

NM_001457.4(FLNB):c.2520C>A (p.Asp840Glu)

Genes: FLNB (filamin B; plus strand), LOC129936935 (ATAC-STARR-seq lymphoblastoid active region 19999; plus strand). Cytogenetic location: 3p14.3.
Variant type: single nucleotide variant.
Coding change: c.2520C>A on transcript NM_001457.4 (MANE Select); coding-DNA position 2520, C replaced by A.
Protein change: p.Asp840Glu; replaces aspartic acid 840 with glutamic acid.
Molecular consequence: missense variant.
Genome position (GRCh38, 1-based): chr3:58,111,826, C>A. VCF-style: chr3-58111826-C-A. GRCh37 (hg19) VCF-style: chr3-58097553-C-A.
Other names: c.2520C>A, p.Asp840Glu (NM_001164317.2, NM_001164318.2, NM_001164319.2); short protein forms D840E.
Identifiers: ClinVar variation 3370639 (VCV003370639.1).
Genomic context (GRCh38, chr3:58,111,826, plus strand): 5'-TACTAAGACTGTGTCTCTGCTACAGGAAATCCCCGCCAGCCCTTTCAGAGTCAAAGTTGA[C>A]CCTTCCCACGATGCCAGCAAAGTGAAGGCAGAAGGCCCAGGGCTCAGCAAAGCAGGTAAG-3'
Protein context (NP_001448.2, residues 830-850): IPASPFRVKV[Asp840Glu]PSHDASKVKA